The following is an entry in ClinVar:

NM_005444.3(CNOT9):c.604A>C (p.Thr202Pro)

Gene: CNOT9 (CCR4-NOT transcription complex subunit 9; plus strand). Cytogenetic location: 2q35.
Variant type: single nucleotide variant.
Coding change: c.604A>C on transcript NM_005444.3 (MANE Select); coding-DNA position 604, A replaced by C.
Protein change: p.Thr202Pro; replaces threonine 202 with proline.
Molecular consequence: missense variant. On other transcripts: non-coding transcript variant (1).
Genome position (GRCh38, 1-based): chr2:218,592,367, A>C. VCF-style: chr2-218592367-A-C. GRCh37 (hg19) VCF-style: chr2-219457090-A-C.
Other names: c.700A>C, p.Thr234Pro (NM_001271634.2); c.604A>C, p.Thr202Pro (NM_001271635.2); short protein forms T202P, T234P.
Identifiers: ClinVar variation 3372113 (VCV003372113.1).

ClinVar aggregate classification (germline): Uncertain significance (1 of 4 stars; one submission).

Submission:

GeneDx
Classification: Uncertain significance. Last evaluated: 2024-04-12. Review status: criteria provided, single submitter. Criteria: GeneDx Variant Classification Process June 2021. Collection method: clinical testing. Allele origin: germline. Affected: yes.
Comment: Not observed at significant frequency in large population cohorts (gnomAD); In silico analysis supports that this missense variant has a deleterious effect on protein structure/function; Has not been previously published as pathogenic or benign to our knowledge